The following is an entry in ClinVar:

NM_001365276.2(TNXB):c.7802C>G (p.Pro2601Arg)

Gene: TNXB (tenascin XB; minus strand). Cytogenetic location: 6p21.33.
Variant type: single nucleotide variant.
Coding change: c.7802C>G on transcript NM_001365276.2 (MANE Select); coding-DNA position 7802, C replaced by G.
Protein change: p.Pro2601Arg; replaces proline 2601 with arginine.
Molecular consequence: missense variant.
Genome position (GRCh38, 1-based): chr6:32,058,081, G>C on the plus strand (C>G on the coding strand, the complement: TNXB is on the minus strand). VCF-style: chr6-32058081-G-C. GRCh37 (hg19) VCF-style: chr6-32025858-G-C.
Other names: c.8543C>G, p.Pro2848Arg (NM_001428335.1); c.7802C>G, p.Pro2601Arg (NM_019105.8); short protein forms P2601R, P2848R.
Identifiers: ClinVar variation 4615176 (VCV004615176.1).
Genomic context (GRCh38, chr6:32,058,081, plus strand): 5'-GCTGTCTTCCAACCCTGCCCCACCCACACTCACTCACCTGTGACGCCCACGGCAGACACC[G>C]GGCCCAGGCGCCGCCCCTCGTGGAGGCCGTACAGGTGCATCTTGTACTTGCGCCCAGGCT-3'
Protein context (NP_001352205.1, residues 2591-2611): YGLHEGRRLG[Pro2601Arg]VSAVGVTEDE

ClinVar aggregate classification (germline): Uncertain significance (1 of 4 stars; one submission).

Conditions:
Cardiovascular phenotype. Identifiers: MedGen CN230736.

gnomAD v4.1: 7 of 1,609,686 alleles (0.00043%); highest among the groups gnomAD compares: East Asian, 0.0022%; no homozygotes.

Submission:

Ambry Genetics
Classification: Uncertain significance for Cardiovascular phenotype. Last evaluated: 2025-11-15. Review status: criteria provided, single submitter. Criteria: Ambry Variant Classification Scheme 2023. Collection method: clinical testing. Allele origin: germline.
Comment: The p.P2601R variant (also known as c.7802C>G), located in coding exon 21 of the TNXB gene, results from a C to G substitution at nucleotide position 7802. The proline at codon 2601 is replaced by arginine, an amino acid with dissimilar properties. This amino acid position is conserved. In addition, this alteration is predicted to be tolerated by in silico analysis. Based on the available evidence, the clinical significance of this variant remains unclear.